The following is an entry in ClinVar:

ClinVar aggregate classification (germline): Conflicting classifications of pathogenicity. Review status: criteria provided, conflicting classifications (1 of 4 stars). 19 submissions from 19 submitters: Uncertain significance (16); Likely benign (1). 2 of the submissions do not count toward it. Last evaluated 2026-03-27.

Conditions:
RAD51D-related disorder. Also called: RAD51D-related condition.
Familial ovarian cancer. Identifiers: MedGen C5679802, MONDO:0016248.
Hereditary cancer-predisposing syndrome. Also called: Tumor predisposition; Hereditary neoplastic syndrome; Hereditary Cancer Syndrome; Neoplastic Syndromes, Hereditary. Identifiers: Orphanet 140162, MedGen C0027672, MeSH D009386, MONDO:0015356.
Hereditary breast ovarian cancer syndrome. Also called: Hereditary breast and ovarian cancer; Hereditary breast and/or ovarian cancer syndrome; BRCA1- and BRCA2-Associated Hereditary Breast and Ovarian Cancer; Hereditary breast and ovarian cancer syndrome (HBOC); Hereditary breast and ovarian cancer syndrome; Breast and ovarian cancer. Identifiers: Orphanet 145, MedGen C0677776, MeSH D061325, MONDO:0003582. Disease mechanism: loss of function.
Breast-ovarian cancer, familial, susceptibility to, 4. Identifiers: Orphanet 145, MedGen C3280345, MONDO:0013669, OMIM 614291.
Malignant tumor of breast. Also called: Cancer breast; Malignant breast neoplasm. Identifiers: MedGen C0006142, MONDO:0007254. Disease mechanism: loss of function.

Allele frequency attached by ClinVar (database versions not stated): TOPMed 0.00004; gnomAD 0.00006.
gnomAD v4.1: 186 of 1,614,008 alleles (0.012%); highest among the groups gnomAD compares: Non-Finnish European, 0.015%; no homozygotes.

Submissions 1 to 11 of 19:

PreventionGenetics, part of Exact Sciences
Classification: Uncertain significance for RAD51D-related condition. Last evaluated: 2026-03-27. Review status: criteria provided, single submitter. Criteria: ACMG Guidelines, 2015. Collection method: clinical testing. Allele origin: germline.
Comment: The RAD51D c.629C>T variant is predicted to result in the amino acid substitution p.Ala210Val. This variant has been reported in patients with breast, ovarian, prostate, pancreas and colorectal cancer, although conclusive evidence of pathogenicity was not provided (Gutiérrez-Enríquez et al. 2014. PubMed ID: 24130102; Table S6, Couch et al. 2014. PubMed ID: 25452441; Janatova et al. 2015. PubMed ID: 26057125; Table S4, Bhai et al. 2021. PubMed ID: 34326862). This variant is reported in 0.0054% of alleles in individuals of European (Non-Finnish) descent in gnomAD. This variant has conflicting interpretations in ClinVar ranging from uncertain to likely benign (Variation ID: 141969). At this time, the clinical significance of this variant is uncertain due to the absence of conclusive functional and genetic evidence.

Labcorp Genetics (formerly Invitae), Labcorp
Classification: Uncertain significance for Breast-ovarian cancer, familial, susceptibility to, 4. Last evaluated: 2026-01-17. Review status: criteria provided, single submitter. Criteria: Invitae Variant Classification Sherloc (09022015). Collection method: clinical testing. Allele origin: germline.
Comment: This sequence change replaces alanine, which is neutral and non-polar, with valine, which is neutral and non-polar, at codon 210 of the RAD51D protein (p.Ala210Val). This variant is present in population databases (rs376855484, gnomAD 0.006%). This missense change has been observed in individual(s) with ovarian cancer, breast cancer, pancreatic cancer, colon cancer and an individual undergoing Lynch syndrome testing (PMID: 24130102, 25452441, 25980754, 26057125, 26261251, 27978560, 28726808). ClinVar contains an entry for this variant (Variation ID: 141969). Invitae Evidence Modeling of protein sequence and biophysical properties (such as structural, functional, and spatial information, amino acid conservation, physicochemical variation, residue mobility, and thermodynamic stability) indicates that this missense variant is not expected to disrupt RAD51D protein function with a negative predictive value of 80%. In summary, the available evidence is currently insufficient to determine the role of this variant in disease. Therefore, it has been classified as a Variant of Uncertain Significance.

KCCC/NGS Laboratory, Kuwait Cancer Control Center
Classification: Uncertain significance for Breast-ovarian cancer, familial, susceptibility to, 4. Last evaluated: 2025-08-04. Review status: criteria provided, single submitter. Criteria: ACMG Guidelines, 2015. Collection method: clinical testing. Allele origin: germline. Inheritance: Autosomal dominant inheritance. Affected: yes. Observed: 1 heterozygote.
Comment: This sequence change replaces alanine, which is neutral and non-polar, with valine, which is neutral and non-polar, at codon 210 of the RAD51D protein (p.Ala210Val). This variant is present in population databases (rs376855484, gnomAD 0.006%).

Molecular Pathology, Peter Maccallum Cancer Centre
Classification: Uncertain significance for Familial ovarian cancer. Last evaluated: 2025-05-09. Review status: criteria provided, single submitter. Criteria: ACMG Guidelines, 2015. Collection method: clinical testing. Allele origin: germline. Inheritance: Autosomal dominant inheritance.

CeGaT Center for Human Genetics Tuebingen
Classification: Uncertain significance. Last evaluated: 2025-04-01. Review status: criteria provided, single submitter. Criteria: CeGaT Center For Human Genetics Tuebingen Variant Classification Criteria Version 2. Collection method: clinical testing. Allele origin: germline. Affected: yes. Observed: 1 variant allele.

Quest Diagnostics Nichols Institute San Juan Capistrano
Classification: Uncertain significance. Last evaluated: 2025-03-05. Review status: criteria provided, single submitter. Criteria: Quest Diagnostics criteria. Collection method: clinical testing. Allele origin: unknown.
Comment: The RAD51D c.629C>T (p.Ala210Val) variant has been reported in the published literature in individuals affected with ovarian cancer (PMID: 24130102 (2014), 26057125 (2015), 26261251 (2015)), suspected Lynch syndrome (PMID: 25980754 (2015)), colorectal cancer (PMID: 27978560 (2016)), pancreatic cancer (PMID: 28726808 (2018)), and breast cancer (PMID: 35884425 (2022), 32885271 (2021), 33471991 (2021), see also LOVD). This variant has also been identified in reportedly healthy individuals (PMIDs: 36243179 (2023), 33471991 (2021), see also LOVD). The frequency of this variant in the general population (Genome Aggregation Database) is uninformative in the assessment of its pathogenicity. Analysis of this variant using bioinformatics tools for the prediction of the effect of amino acid changes on protein structure and function yielded conflicting predictions that this variant is benign or damaging. Based on the available information, we are unable to determine the clinical significance of this variant.

Myriad Genetics, Inc.
Classification: Likely benign for Breast-ovarian cancer, familial, susceptibility to, 4. Last evaluated: 2024-12-13. Review status: criteria provided, single submitter. Criteria: Myriad Autosomal Dominant, Autosomal Recessive and X-Linked Classification Criteria (2023). Collection method: clinical testing. Allele origin: unknown.
Comment: This variant is considered likely benign. This variant is strongly associated with less severe personal and family histories of cancer, typical for individuals without pathogenic variants in this gene [PMID: 25085752].

Ambry Genetics
Classification: Uncertain significance for Hereditary cancer-predisposing syndrome. Last evaluated: 2024-11-27. Review status: criteria provided, single submitter. Criteria: Ambry Variant Classification Scheme 2023. Collection method: clinical testing. Allele origin: germline.
Comment: The p.A210V variant (also known as c.629C>T), located in coding exon 7 of the RAD51D gene, results from a C to T substitution at nucleotide position 629. The alanine at codon 210 is replaced by valine, an amino acid with similar properties. This alteration has been reported in individuals diagnosed with breast, ovarian, pancreatic and colon cancer (Guti&eacute;rrez-Enr&iacute;quez S et al. Int. J. Cancer. 2014 May; Couch FC et al. J. Clin. Oncol. 2015 Feb;33:304-11134:2088-97; Vel&aacute;zquez C et al. Cancers (Basel), 2020 Aug;12; Lerner-Ellis J et al. J Cancer Res Clin Oncol, 2021 Mar;147:871-879; Dorling et al. N Engl J Med. 2021 02;384:428-439; Janatova M et al. PLoS ONE. 2015 Jun;10:e0127711; Song H et al. J. Clin. Oncol. 2015 Sep;33:2901-7; Chaffee KG et al. Genet Med, 2018 01;20:119-127; Yurgelun MB et al. Gastroenterology, 2015 Sep;149:604-13.e20). This amino acid position is highly conserved in available vertebrate species. In addition, this alteration is predicted to be deleterious by in silico analysis. Based on the available evidence, the clinical significance of this variant remains unclear.

Fulgent Genetics
Classification: Uncertain significance for Breast-ovarian cancer, familial, susceptibility to, 4. Last evaluated: 2024-04-26. Review status: criteria provided, single submitter. Criteria: ACMG Guidelines, 2015. Collection method: clinical testing. Allele origin: germline.

GeneDx
Classification: Uncertain significance. Last evaluated: 2024-03-28. Review status: criteria provided, single submitter. Criteria: GeneDx Variant Classification Process June 2021. Collection method: clinical testing. Allele origin: germline. Affected: yes.
Comment: In silico analysis supports that this missense variant has a deleterious effect on protein structure/function; Observed in individuals with personal and/or family history of ovarian, breast, or other cancers, and also in unaffected controls from a breast cancer study (PMID: 24130102, 25452441, 26057125, 26261251, 25980754, 27978560, 28726808, 32756499, 33471991, 32885271); This variant is associated with the following publications: (PMID: 32322110, 24130102, 26057125, 25452441, 26261251, 25980754, 27978560, 28726808, 32756499, 33471991, 32885271, 21111057, 14704354, 34326862)

Baylor Genetics
Classification: Uncertain significance for Breast-ovarian cancer, familial, susceptibility to, 4. Last evaluated: 2024-03-27. Review status: criteria provided, single submitter. Criteria: ACMG Guidelines, 2015. Collection method: clinical testing. Allele origin: unknown.

NM_002878.4(RAD51D):c.629C>T (p.Ala210Val)

Genes: RAD51D (RAD51 paralog D; minus strand), RAD51L3-RFFL (RAD51L3-RFFL readthrough; minus strand). Cytogenetic location: 17q12.
Variant type: single nucleotide variant.
Coding change: c.629C>T on transcript NM_002878.4 (MANE Select); coding-DNA position 629, C replaced by T.
Protein change: p.Ala210Val; replaces alanine 210 with valine.
Molecular consequence: missense variant. On other transcripts: non-coding transcript variant (3).
Genome position (GRCh38, 1-based): chr17:35,103,492, G>A on the plus strand (C>T on the coding strand, the complement: RAD51D is on the minus strand). VCF-style: chr17-35103492-G-A. GRCh37 (hg19) VCF-style: chr17-33430511-G-A.
Other names: c.293C>T (NM_133629.2); c.689C>T, p.Ala230Val (NM_001142571.2); c.293C>T, p.Ala98Val (NM_133629.3); short protein forms A210V, A230V, A98V.
Identifiers: ClinVar variation 141969 (VCV000141969.54), dbSNP rs376855484, ClinGen allele CA166969.